The following is an entry in ClinVar:

NM_000257.4(MYH7):c.5011A>C (p.Ile1671Leu)

Genes: MHRT (myosin heavy chain associated RNA transcript; plus strand), MYH7 (myosin heavy chain 7; minus strand), LOC126861897 (BRD4-independent group 4 enhancer GRCh37_chr14:23884455-23885654; plus strand). Cytogenetic location: 14q11.2.
Variant type: single nucleotide variant.
Coding change: c.5011A>C on transcript NM_000257.4 (MANE Select); coding-DNA position 5011, A replaced by C.
Protein change: p.Ile1671Leu; replaces isoleucine 1671 with leucine.
Molecular consequence: missense variant. On other transcripts: non-coding transcript variant (1).
Genome position (GRCh38, 1-based): chr14:23,415,775, T>G on the plus strand (A>C on the coding strand, the complement: MYH7 is on the minus strand). VCF-style: chr14-23415775-T-G. GRCh37 (hg19) VCF-style: chr14-23884984-T-G.
Other names: short protein forms I1671L.
Identifiers: ClinVar variation 1478939 (VCV001478939.6), dbSNP rs1456418703, ClinGen allele CA389037139.

ClinVar aggregate classification (germline): Uncertain significance (1 of 4 stars; one submission).

Conditions:
Hypertrophic cardiomyopathy. Also called: HYPERTROPHIC MYOCARDIOPATHY. Identifiers: Orphanet 217569, MedGen C0007194, MeSH D002312, MONDO:0005045, HP:0001639.

Submission:

Labcorp Genetics (formerly Invitae), Labcorp
Classification: Uncertain significance for Hypertrophic cardiomyopathy. Last evaluated: 2026-01-15. Review status: criteria provided, single submitter. Criteria: Invitae Variant Classification Sherloc (09022015). Collection method: clinical testing. Allele origin: germline.
Comment: This sequence change replaces isoleucine, which is neutral and non-polar, with leucine, which is neutral and non-polar, at codon 1671 of the MYH7 protein (p.Ile1671Leu). This variant is not present in population databases (gnomAD no frequency). This variant has not been reported in the literature in individuals affected with MYH7-related conditions. ClinVar contains an entry for this variant (Variation ID: 1478939). Invitae Evidence Modeling of protein sequence and biophysical properties (such as structural, functional, and spatial information, amino acid conservation, physicochemical variation, residue mobility, and thermodynamic stability) indicates that this missense variant is not expected to disrupt MYH7 protein function with a negative predictive value of 95%. In summary, the available evidence is currently insufficient to determine the role of this variant in disease. Therefore, it has been classified as a Variant of Uncertain Significance.